The following is an entry in ClinVar:

ClinVar aggregate classification (germline): Uncertain significance. Review status: criteria provided, multiple submitters, no conflicts (2 of 4 stars). 2 submissions from 2 submitters: Uncertain significance (2). Last evaluated 2024-06-03.

Conditions:
Long QT syndrome (LQTS). Identifiers: MedGen C0023976, MeSH D008133, MONDO:0002442. Disease mechanism: loss of function. Inheritance: Various modes of inheritance.

Submissions (2):

Labcorp Genetics (formerly Invitae), Labcorp
Classification: Uncertain significance for Long QT syndrome. Last evaluated: 2024-06-03. Review status: criteria provided, single submitter. Criteria: Invitae Variant Classification Sherloc (09022015). Collection method: clinical testing. Allele origin: germline.
Comment: This sequence change replaces glycine, which is neutral and non-polar, with alanine, which is neutral and non-polar, at codon 669 of the KCNH2 protein (p.Gly669Ala). This variant is not present in population databases (gnomAD no frequency). This variant has not been reported in the literature in individuals affected with KCNH2-related conditions. ClinVar contains an entry for this variant (Variation ID: 647535). An algorithm developed to predict the effect of missense changes on protein structure and function (PolyPhen-2) suggests that this variant is likely to be disruptive. In summary, the available evidence is currently insufficient to determine the role of this variant in disease. Therefore, it has been classified as a Variant of Uncertain Significance.

All of Us Research Program, National Institutes of Health
Classification: Uncertain significance for Long QT syndrome. Last evaluated: 2024-05-14. Review status: criteria provided, single submitter. Criteria: ACMG Guidelines, 2015. Collection method: clinical testing. Allele origin: germline. Inheritance: Autosomal dominant inheritance. Observed: 2 variant alleles, 2 heterozygotes.
Comment: This missense variant replaces glycine with alanine at codon 669 of the KCNH2 protein. Computational prediction suggests that this variant may have deleterious impact on protein structure and function (internally defined REVEL score threshold >= 0.7, PMID: 27666373). To our knowledge, functional studies have not been reported for this variant. This variant has not been reported in individuals affected with KCNH2-related disorders in the literature. This variant has not been identified in the general population by the Genome Aggregation Database (gnomAD). The available evidence is insufficient to determine the role of this variant in disease conclusively. Therefore, this variant is classified as a Variant of Uncertain Significance.

This study involves interpretation of variants in research participants for the purpose of population health screening. Participant phenotype was not available at the time of variant classification. Additional details can be found in publication PMID: 35346344, PMCID: PMC8962531

NM_000238.4(KCNH2):c.2006G>C (p.Gly669Ala)

Gene: KCNH2 (potassium voltage-gated channel subfamily H member 2; minus strand). Cytogenetic location: 7q36.1.
Variant type: single nucleotide variant.
Coding change: c.2006G>C on transcript NM_000238.4 (MANE Select); coding-DNA position 2006, G replaced by C.
Protein change: p.Gly669Ala; replaces glycine 669 with alanine.
Molecular consequence: missense variant.
Genome position (GRCh38, 1-based): chr7:150,951,060, C>G on the plus strand (G>C on the coding strand, the complement: KCNH2 is on the minus strand). VCF-style: chr7-150951060-C-G. GRCh37 (hg19) VCF-style: chr7-150648148-C-G.
Other names: c.986G>C, p.Gly329Ala (NM_001204798.2, NM_172057.3); c.1718G>C, p.Gly573Ala (NM_001406753.1, NM_001406756.1); c.1829G>C, p.Gly610Ala (NM_001406755.1); c.1706G>C, p.Gly569Ala (NM_001406757.1); c.2006G>C, p.Gly669Ala (NM_172056.3); short protein forms G329A, G669A, G573A, G569A, G610A.
Identifiers: ClinVar variation 647535 (VCV000647535.11), dbSNP rs1584852286, ClinGen allele CA369857667.